The following is an entry in ClinVar:

NM_004523.4(KIF11):c.38_39del (p.Glu13fs)

Gene: KIF11 (kinesin family member 11; plus strand). Cytogenetic location: 10q23.33.
Variant type: Microsatellite.
Coding change: c.38_39del on transcript NM_004523.4 (MANE Select); coding-DNA positions 38 to 39, 2 bases deleted (AG; older notation c.38_39delAG).
Protein change: p.Glu13fs; shifts the reading frame from glutamic acid 13.
Molecular consequence: frameshift variant.
Genome position (GRCh38, 1-based): chr10:92,593,413-92,593,414, AG deleted; deleting any 2 consecutive bases within chr10:92,593,411-92,593,414 gives the same sequence; the c. name uses the placement nearest the transcript's 3' end. VCF-style (leftmost placement, unchanged base first): chr10-92593410-AAG-A. GRCh37 (hg19) VCF-style: chr10-94353167-AAG-A.
Other names: short protein forms E13fs.
Identifiers: ClinVar variation 4526795 (VCV004526795.1).
Genomic context (GRCh38, chr10:92,593,410, plus strand): 5'-GCCTTGATTTTTTGGCGGGGACCGTCATGGCGTCGCAGCCAAATTCGTCTGCGAAGAAGA[AAG>A]AGGAGAAGGGGAAGAACATCCAGGTGGTGGTGAGATGCAGGTAGGGAGAGGGCTGACAGG-3'

ClinVar aggregate classification (germline): Pathogenic. Review status: criteria provided, multiple submitters, no conflicts (2 of 4 stars). 2 submissions from 2 submitters: Pathogenic (2). Last evaluated 2025-08-05.

Conditions:
Microcephaly with or without chorioretinopathy, lymphedema, or impaired intellectual development. Also called: MICROCEPHALY, LYMPHEDEMA, CHORIORETINAL DYSPLASIA SYNDROME; Microcephaly lymphedema chorioretinal dysplasia; MICROCEPHALY AND CHORIORETINOPATHY WITH OR WITHOUT MENTAL RETARDATION, AUTOSOMAL DOMINANT; Microcephaly with or without chorioretinopathy, lymphedema, or mental retardation; Microcephaly with or without chorioretinopathy, lymphedema, or intellectual disability. Identifiers: Orphanet 2526, MedGen C1835265, MONDO:0007918, OMIM 152950.

Submissions (2):

Variantyx, Inc.
Classification: Pathogenic for Microcephaly with or without chorioretinopathy, lymphedema, or impaired intellectual development. Last evaluated: 2025-08-05. Review status: criteria provided, single submitter. Criteria: Variantyx Assertion Criteria 2022. Collection method: clinical testing. Allele origin: de novo. Inheritance: Autosomal dominant inheritance. Affected: yes.
Comment: This is a frameshift variant in the KIF11 gene (OMIM: 148760). Pathogenic variants in this gene have been associated with autosomal dominant microcephaly with or without chorioretinopathy, lymphedema, or intellectual disability. This variant introduces a premature termination codon in exon 1 out of 22 and is expected to disrupt the C-terminal region of protein. While loss of function is a known disease mechanism for KIF11 in this disorder, the functional consequence of this variant cannot be predicted with confidence (PMID: 22284827, 24281367) (PVS1_Strong). This variant is absent from control populations (PM2). Based on the current evidence, this variant is classified as pathogenic for autosomal dominant microcephaly with or without chorioretinopathy, lymphedema, or intellectual disability.

Centre for Clinical Genetics and Genomic Diagnostics, Zealand University Hospital
Classification: Pathogenic. Last evaluated: 2025-05-14. Review status: criteria provided, single submitter. Criteria: ACMG Guidelines, 2015. Collection method: clinical testing. Allele origin: germline. Affected: yes.

Literature cited by the submitters: PubMed 22284827 (cited by Variantyx, Inc.); PubMed 24281367 (cited by Variantyx, Inc.).